The following is an entry in ClinVar:

NM_001009994.3(RIPPLY2):c.280C>T (p.Gln94Ter)

Genes: RIPPLY2 (ripply transcriptional repressor 2; plus strand), RIPPLY2-CYB5R4 (RIPPLY2-CYB5R4 readthrough; plus strand). Cytogenetic location: 6q14.2.
Variant type: single nucleotide variant.
Coding change: c.280C>T on transcript NM_001009994.3 (MANE Select); coding-DNA position 280, C replaced by T.
Protein change: p.Gln94Ter; replaces glutamine 94 with a stop codon.
Molecular consequence: nonsense. On other transcripts: 3 prime UTR variant (1), non-coding transcript variant (2), intron variant (1).
Genome position (GRCh38, 1-based): chr6:83,857,282, C>T. VCF-style: chr6-83857282-C-T. GRCh37 (hg19) VCF-style: chr6-84567001-C-T.
Other names: c.343C>T, p.Gln115Ter (NM_001400899.1); c.*3117C>T (NM_001400900.1); c.-28+3121C>T (NM_001400774.1); short protein forms Q115*, Q94*.
Identifiers: ClinVar variation 4775873 (VCV004775873.1).

ClinVar aggregate classification (germline): Uncertain significance (1 of 4 stars; one submission).

Submission:

Labcorp Genetics (formerly Invitae), Labcorp
Classification: Uncertain significance. Last evaluated: 2025-08-01. Review status: criteria provided, single submitter. Criteria: Invitae Variant Classification Sherloc (09022015). Collection method: clinical testing. Allele origin: germline.
Comment: This sequence change creates a premature translational stop signal (p.Gln94*) in the RIPPLY2 gene. While this is not anticipated to result in nonsense mediated decay, it is expected to disrupt the last 35 amino acid(s) of the RIPPLY2 protein. This variant is not present in population databases (gnomAD no frequency). This variant has not been reported in the literature in individuals affected with RIPPLY2-related conditions. Experimental studies and prediction algorithms are not available or were not evaluated, and the functional significance of this variant is currently unknown. Algorithms developed to predict the effect of sequence changes on RNA splicing suggest that this variant may disrupt the consensus splice site. In summary, the available evidence is currently insufficient to determine the role of this variant in disease. Therefore, it has been classified as a Variant of Uncertain Significance.